The following is an entry in ClinVar:

NC_000016.9:g.(?_89849247)_(89851392_?)del

Gene: FANCA (FA complementation group A; minus strand). Cytogenetic location: 16q24.3.
Variant type: Deletion.
Identifiers: ClinVar variation 3243248 (VCV003243248.1).

ClinVar aggregate classification (germline): Pathogenic (1 of 4 stars; one submission).

Conditions:
Fanconi anemia (FA). Also called: Fanconi's anemia. Identifiers: Orphanet 84, MedGen C0015625, MeSH D005199, MONDO:0019391.

Submission:

Labcorp Genetics (formerly Invitae), Labcorp
Classification: Pathogenic for Fanconi anemia. Last evaluated: 2023-09-15. Review status: criteria provided, single submitter. Criteria: Invitae Variant Classification Sherloc (09022015). Collection method: clinical testing. Allele origin: unknown.
Comment: This variant is a gross deletion of the genomic region encompassing exon(s) 15-17 of the FANCA gene. This variant would be expected to be in-frame, preserving the integrity of the reading frame. A similar copy number variant has been observed in individual(s) with Fanconi anemia (PMID: 10521298). In at least one individual the data is consistent with being in trans (on the opposite chromosome) from a pathogenic variant. The region of the FANCA gene that includes exon(s) 15 and 16-17 has been determined to be clinically significant (PMID: 9711872, 17924555, 24689079; Invitae). Therefore, deletions that encompass that region are likely to be disease-causing. For these reasons, this variant has been classified as Pathogenic.

Literature cited by the submitters: PubMed 10521298; PubMed 9711872; PubMed 17924555; PubMed 24689079.